The following is an entry in ClinVar:

ClinVar aggregate classification (germline): Uncertain significance (1 of 4 stars; one submission).

Conditions:
Cardiovascular phenotype. Identifiers: MedGen CN230736.

gnomAD v4.1: 2 of 1,613,242 alleles (0.00012%); highest among the groups gnomAD compares: African/African-American, 0.0027%; no homozygotes.

Submission:

Ambry Genetics
Classification: Uncertain significance for Cardiovascular phenotype. Last evaluated: 2024-06-11. Review status: criteria provided, single submitter. Criteria: Ambry Variant Classification Scheme 2023. Collection method: clinical testing. Allele origin: germline.
Comment: The p.G495V variant (also known as c.1484G>T), located in coding exon 13 of the PRDM5 gene, results from a G to T substitution at nucleotide position 1484. The glycine at codon 495 is replaced by valine, an amino acid with dissimilar properties. This amino acid position is conserved. In addition, this alteration is predicted to be deleterious by in silico analysis. Based on the available evidence, the clinical significance of this variant remains unclear.

NM_018699.4(PRDM5):c.1484G>T (p.Gly495Val)

Gene: PRDM5 (PR/SET domain 5; minus strand). Cytogenetic location: 4q27.
Variant type: single nucleotide variant.
Coding change: c.1484G>T on transcript NM_018699.4 (MANE Select); coding-DNA position 1484, G replaced by T.
Protein change: p.Gly495Val; replaces glycine 495 with valine.
Molecular consequence: missense variant.
Genome position (GRCh38, 1-based): chr4:120,777,241, C>A on the plus strand (G>T on the coding strand, the complement: PRDM5 is on the minus strand). VCF-style: chr4-120777241-C-A. GRCh37 (hg19) VCF-style: chr4-121698396-C-A.
Other names: c.1391G>T, p.Gly464Val (NM_001300823.2, NM_001300824.2, NM_001379106.1); c.1517G>T, p.Gly506Val (NM_001379104.1); short protein forms G506V, G495V, G464V.
Identifiers: ClinVar variation 3309811 (VCV003309811.1).